The following is an entry in ClinVar:

ClinVar aggregate classification (germline): Benign/Likely benign. Review status: criteria provided, multiple submitters, no conflicts (2 of 4 stars). 4 submissions from 4 submitters: Benign (2); Likely benign (2). Last evaluated 2025-10-18.

Conditions:
Retinal dystrophy. Also called: Inherited retinal dystrophy. Identifiers: Orphanet 71862, MedGen C0854723, MeSH D058499, MONDO:0019118, HP:0000556.

Allele frequency attached by ClinVar (database versions not stated): gnomAD exomes 0.00031 and 0.00008; ESP Exome Variant Server 0.00008; 1000 Genomes Project 30x 0.00016; gnomAD 0.00019; TOPMed 0.00019; 1000 Genomes Project 0.00020; ExAC 0.00027.
gnomAD v4.1: 154 of 1,614,240 alleles (0.0095%); highest among the groups gnomAD compares: East Asian, 0.17%; no homozygotes.

Submissions (4):

Labcorp Genetics (formerly Invitae), Labcorp
Classification: Benign. Last evaluated: 2025-10-18. Review status: criteria provided, single submitter. Criteria: Invitae Variant Classification Sherloc (09022015). Collection method: clinical testing. Allele origin: germline.

Blueprint Genetics
Classification: Likely benign. Last evaluated: 2024-05-22. Review status: criteria provided, single submitter. Criteria: ACMG Guidelines, 2015. Collection method: clinical testing. Allele origin: germline.

Dept Of Ophthalmology, Nagoya University
Classification: Benign for Retinal dystrophy. Last evaluated: 2023-10-01. Review status: criteria provided, single submitter. Criteria: Submitter's publication. Collection method: research. Allele origin: germline. Affected: yes.

CeGaT Center for Human Genetics Tuebingen
Classification: Likely benign. Last evaluated: 2023-09-01. Review status: criteria provided, single submitter. Criteria: CeGaT Center For Human Genetics Tuebingen Variant Classification Criteria Version 2. Collection method: clinical testing. Allele origin: germline. Affected: yes. Observed: 2 variant alleles.
Comment: HK1: BP4, BP7

NM_000188.3(HK1):c.1680C>T (p.Tyr560=)

Gene: HK1 (hexokinase 1; plus strand). Cytogenetic location: 10q22.1.
Variant type: single nucleotide variant.
Coding change: c.1680C>T on transcript NM_000188.3 (MANE Select); coding-DNA position 1680, C replaced by T.
Protein change: p.Tyr560=; no amino-acid change (tyrosine 560 retained).
Molecular consequence: synonymous variant.
Genome position (GRCh38, 1-based): chr10:69,384,442, C>T. VCF-style: chr10-69384442-C-T. GRCh37 (hg19) VCF-style: chr10-71144198-C-T.
Other names: c.1692C>T, p.Tyr564= (NM_001322364.2, NM_001358263.1, NM_033497.3 and 1 more transcripts); c.1785C>T, p.Tyr595= (NM_001322365.2); c.1596C>T, p.Tyr532= (NM_001322366.1); c.1584C>T, p.Tyr528= (NM_001322367.1); c.1677C>T, p.Tyr559= (NM_033496.3); c.1644C>T, p.Tyr548= (NM_033500.2).
Identifiers: ClinVar variation 733418 (VCV000733418.35), dbSNP rs199870318, ClinGen allele CA5532652.